The following is an entry in ClinVar:

ClinVar aggregate classification (germline): Likely pathogenic (1 of 4 stars; one submission).

Conditions:
Autosomal recessive limb-girdle muscular dystrophy type 2J (LGMDR10). Also called: Limb-girdle muscular dystrophy, type 2J; MUSCULAR DYSTROPHY, LIMB-GIRDLE, AUTOSOMAL RECESSIVE 10. Identifiers: Orphanet 140922, MedGen C1837342, MONDO:0012127, OMIM 608807.
Dilated cardiomyopathy 1G (CMD1G). Identifiers: Orphanet 154, MedGen C1858763, MONDO:0011400, OMIM 604145.

Submission:

Labcorp Genetics (formerly Invitae), Labcorp
Classification: Likely pathogenic for Dilated cardiomyopathy 1G; Autosomal recessive limb-girdle muscular dystrophy type 2J. Last evaluated: 2025-11-12. Review status: criteria provided, single submitter. Criteria: Invitae Variant Classification Sherloc (09022015). Collection method: clinical testing. Allele origin: germline.
Comment: This sequence change creates a premature translational stop signal (p.Arg26128Leufs*9) in the TTN gene. While this is not anticipated to result in nonsense mediated decay, it is expected to create a truncated TTN protein. This variant is not present in population databases (gnomAD no frequency). This variant has not been reported in the literature in individuals affected with TTN-related conditions. This variant is located in the A band of TTN (PMID: 25589632). Truncating variants in this region are significantly overrepresented in patients affected with dilated cardiomyopathy (PMID: 25589632). Truncating variants in this region have also been reported in individuals affected with autosomal recessive centronuclear myopathy (PMID: 23975875). In summary, the currently available evidence indicates that the variant is pathogenic, but additional data are needed to prove that conclusively. Therefore, this variant has been classified as Likely Pathogenic.

Literature cited by the submitters: PubMed 25589632; PubMed 23975875.

NM_001267550.2(TTN):c.78383del (p.Arg26128fs)

Genes: TTN (titin; minus strand), TTN-AS1 (TTN antisense RNA 1; plus strand). Cytogenetic location: 2q31.2.
Variant type: Deletion.
Coding change: c.78383del on transcript NM_001267550.2 (MANE Select); coding-DNA position 78383, one base deleted (G; older notation c.78383delG).
Protein change: p.Arg26128fs; shifts the reading frame from arginine 26128.
Molecular consequence: frameshift variant.
Genome position (GRCh38, 1-based): chr2:178,567,749, C deleted on the plus strand (G on the coding strand, the reverse complement: TTN is on the minus strand). VCF-style (leftmost placement, unchanged base first): chr2-178567748-AC-A. GRCh37 (hg19) VCF-style: chr2-179432475-AC-A.
Other names: c.73460del, p.Arg24487fs (NM_001256850.1); c.51188del, p.Arg17063fs (NM_003319.4); c.70679del, p.Arg23560fs (NM_133378.4); c.51563del, p.Arg17188fs (NM_133432.3); c.51764del, p.Arg17255fs (NM_133437.4); short protein forms R17255fs, R26128fs, R23560fs, R24487fs, R17063fs, R17188fs.
Identifiers: ClinVar variation 4786243 (VCV004786243.1).
Genomic context (GRCh38, chr2:178,567,748, plus strand): 5'-AAATTGAGTTTCAATGACATTTGTAAAGCTAGCTTTCATCCAACGACCATCAGGCAAATC[AC>A]GTTTCTCTACAATGTAGCCTGTAATCATACTTCCACCATCATACACAGGTTTGGTCCACT-3'